The following is an entry in ClinVar:

NM_000051.4(ATM):c.2961T>G (p.Cys987Trp)

Gene: ATM (ATM serine/threonine kinase; plus strand). Cytogenetic location: 11q22.3.
Variant type: single nucleotide variant.
Coding change: c.2961T>G on transcript NM_000051.4 (MANE Select); coding-DNA position 2961, T replaced by G.
Protein change: p.Cys987Trp; replaces cysteine 987 with tryptophan.
Molecular consequence: missense variant.
Genome position (GRCh38, 1-based): chr11:108,271,290, T>G. VCF-style: chr11-108271290-T-G. GRCh37 (hg19) VCF-style: chr11-108142017-T-G.
Other names: c.2961T>G, p.Cys987Trp (NM_001351834.2); short protein forms C987W.
Identifiers: ClinVar variation 1968313 (VCV001968313.5), dbSNP rs2497687062, ClinGen allele CA382547227.

ClinVar aggregate classification (germline): Uncertain significance (1 of 4 stars; one submission).

Conditions:
Ataxia-telangiectasia syndrome (AT). Also called: Ataxia-telangiectasia, complementation group E; Ataxia telangiectasia (A-T); Cerebello-oculocutaneous telangiectasia; Immunodeficiency with ataxia telangiectasia; Ataxia-telangiectasia, complementation group D; ATAXIA-TELANGIECTASIA, COMPLEMENTATION GROUP A. Identifiers: Orphanet 100, MedGen C0004135, MONDO:0008840, OMIM 208900.

Submission:

Labcorp Genetics (formerly Invitae), Labcorp
Classification: Uncertain significance for Ataxia-telangiectasia syndrome. Last evaluated: 2021-12-21. Review status: criteria provided, single submitter. Criteria: Invitae Variant Classification Sherloc (09022015). Collection method: clinical testing. Allele origin: germline.
Comment: In summary, the available evidence is currently insufficient to determine the role of this variant in disease. Therefore, it has been classified as a Variant of Uncertain Significance. Advanced modeling of protein sequence and biophysical properties (such as structural, functional, and spatial information, amino acid conservation, physicochemical variation, residue mobility, and thermodynamic stability) performed at Invitae indicates that this missense variant is not expected to disrupt ATM protein function. This variant has not been reported in the literature in individuals affected with ATM-related conditions. This variant is not present in population databases (gnomAD no frequency). This sequence change replaces cysteine, which is neutral and slightly polar, with tryptophan, which is neutral and slightly polar, at codon 987 of the ATM protein (p.Cys987Trp).